The following is an entry in ClinVar:

NM_021971.4(GMPPB):c.402+1G>A

Gene: GMPPB (GDP-mannose pyrophosphorylase B; minus strand). Cytogenetic location: 3p21.31.
Variant type: single nucleotide variant.
Coding change: c.402+1G>A on transcript NM_021971.4 (MANE Select); the canonical splice donor site of the intron after coding-DNA position 402, G replaced by A.
Molecular consequence: splice donor variant.
Genome position (GRCh38, 1-based): chr3:49,722,971, C>T on the plus strand (G>A on the coding strand, the complement: GMPPB is on the minus strand). VCF-style: chr3-49722971-C-T. GRCh37 (hg19) VCF-style: chr3-49760404-C-T.
Other names: c.402+1G>A (NM_013334.4).
Identifiers: ClinVar variation 570106 (VCV000570106.7), dbSNP rs145564018, ClinGen allele CA74542195.

ClinVar aggregate classification (germline): Pathogenic/Likely pathogenic. Review status: criteria provided, multiple submitters, no conflicts (2 of 4 stars). 2 submissions from 2 submitters: Pathogenic (1); Likely pathogenic (1). Last evaluated 2025-07-24.

Conditions:
Muscular dystrophy-dystroglycanopathy (congenital with brain and eye anomalies), type A14. Also called: Congenital Muscular Dystrophy-Dystroglycanopathy with Brain and Eye Anomalies Type A 14; Congenital muscular dystrophy-dystroglycanopathy with brain and eye anomalies, type A14; Muscular dystrophy-dystroglycanopathy (congenital with brain and eye anomalies), type a, 14; WALKER-WARBURG SYNDROME OR MUSCLE-EYE-BRAIN DISEASE, GMPPB-RELATED. Identifiers: Orphanet 588, MedGen C3809216, MONDO:0014140, OMIM 615350.
Muscular dystrophy-dystroglycanopathy (congenital with impaired intellectual development), type B, 14. Also called: Congenital muscular dystrophy-dystroglycanopathy with mental retardation, type B14; MUSCULAR DYSTROPHY, CONGENITAL, GMPPB-RELATED; Muscular dystrophy-dystroglycanopathy (congenital with intellectual disability), type B14. Identifiers: MedGen C3809221, MONDO:0014141, OMIM 615351.
Autosomal recessive limb-girdle muscular dystrophy type 2T. Also called: Limb-girdle muscular dystrophy-dystroglycanopathy, type C14; Muscular dystrophy-dystroglycanopathy (limb-girdle), type c, 14; MUSCULAR DYSTROPHY-DYSTROGLYCANOPATHY, LIMB-GIRDLE, GMPPB-RELATED; MUSCULAR DYSTROPHY, LIMB-GIRDLE, TYPE 2T. Identifiers: Orphanet 363623, MedGen C4518000, MONDO:0014142, OMIM 615352.

Allele frequency attached by ClinVar (database versions not stated): gnomAD exomes 0.00001; gnomAD 0.00001; ESP Exome Variant Server 0.00008; TOPMed 0.00002.
gnomAD v4.1: 9 of 1,613,222 alleles (0.00056%); highest among the groups gnomAD compares: Non-Finnish European, 0.00076%; no homozygotes.

Submissions (2):

Women's Health and Genetics/Laboratory Corporation of America, LabCorp
Classification: Likely pathogenic for Autosomal recessive limb-girdle muscular dystrophy type 2T. Last evaluated: 2025-07-24. Review status: criteria provided, single submitter. Criteria: LabCorp Variant Classification Summary - May 2015. Collection method: clinical testing. Allele origin: germline.
Comment: Variant summary: GMPPB c.402+1G>A is located in a canonical splice-site and is predicted to affect mRNA splicing resulting in a significantly altered protein due to either exon skipping, shortening, or inclusion of intronic material. Variants that disrupt the consensus splice site are a relatively common cause of aberrant splicing and loss of GMPPB function. Several computational tools predict a significant impact on normal splicing: Four predict the variant abolishes a 5' splicing donor site. However, these predictions have yet to be confirmed by functional studies. The variant was absent in 249550 control chromosomes. c.402+1G>A has been observed in individuals affected with Autosomal recessive limb-girdle muscular dystrophy type 2T (Jensen_2015, LCG internal data). These data indicate that the variant may be associated with disease. To our knowledge, no experimental evidence demonstrating an impact on protein function has been reported. The following publications have been ascertained in the context of this evaluation (PMID: 32115343, 26310427). ClinVar contains an entry for this variant (Variation ID: 570106). Based on the evidence outlined above, the variant was classified as likely pathogenic.

Labcorp Genetics (formerly Invitae), Labcorp
Classification: Pathogenic for Autosomal recessive limb-girdle muscular dystrophy type 2T; Muscular dystrophy-dystroglycanopathy (congenital with brain and eye anomalies), type A14; Muscular dystrophy-dystroglycanopathy (congenital with impaired intellectual development), type B, 14. Last evaluated: 2024-07-23. Review status: criteria provided, single submitter. Criteria: Invitae Variant Classification Sherloc (09022015). Collection method: clinical testing. Allele origin: germline.
Comment: This sequence change affects a donor splice site in intron 4 of the GMPPB gene. It is expected to disrupt RNA splicing. Variants that disrupt the donor or acceptor splice site typically lead to a loss of protein function (PMID: 16199547), and loss-of-function variants in GMPPB are known to be pathogenic (PMID: 23768512, 26310427). This variant is present in population databases (rs145564018, gnomAD 0.007%). Disruption of this splice site has been observed in individual(s) with clinical features of GMPPB-associated conditions (PMID: 26310427; Invitae). In at least one individual the data is consistent with being in trans (on the opposite chromosome) from a pathogenic variant. ClinVar contains an entry for this variant (Variation ID: 570106). Algorithms developed to predict the effect of sequence changes on RNA splicing suggest that this variant may disrupt the consensus splice site. For these reasons, this variant has been classified as Pathogenic.

Literature cited by the submitters: PubMed 32115343 (cited by Women's Health and Genetics/Laboratory Corporation of America, LabCorp); PubMed 26310427 (cited by Women's Health and Genetics/Laboratory Corporation of America, LabCorp and Labcorp Genetics (formerly Invitae), Labcorp); PubMed 16199547 (cited by Labcorp Genetics (formerly Invitae), Labcorp); PubMed 23768512 (cited by Labcorp Genetics (formerly Invitae), Labcorp).